The following is an entry in ClinVar:

ClinVar aggregate classification (germline): Uncertain significance (1 of 4 stars; one submission).

gnomAD v4.1: 32 of 1,613,950 alleles (0.002%); highest among the groups gnomAD compares: African/African-American, 0.023%; no homozygotes.

Submission:

GeneDx
Classification: Uncertain significance. Last evaluated: 2024-07-15. Review status: criteria provided, single submitter. Criteria: GeneDx Variant Classification Process June 2021. Collection method: clinical testing. Allele origin: germline. Affected: yes.
Comment: Has not been previously published as pathogenic or benign in association with an HFE-related disorder to our knowledge; In silico analysis indicates that this missense variant does not alter protein structure/function; This variant is associated with the following publications: (PMID: 29625052, 36451132)

NM_000410.4(HFE):c.1040G>A (p.Arg347His)

Gene: HFE (homeostatic iron regulator; plus strand). Cytogenetic location: 6p22.2.
Variant type: single nucleotide variant.
Coding change: c.1040G>A on transcript NM_000410.4 (MANE Select); coding-DNA position 1040, G replaced by A.
Protein change: p.Arg347His; replaces arginine 347 with histidine.
Molecular consequence: missense variant. On other transcripts: splice donor variant (1), intron variant (2).
Genome position (GRCh38, 1-based): chr6:26,094,219, G>A. VCF-style: chr6-26094219-G-A. GRCh37 (hg19) VCF-style: chr6-26094447-G-A.
Other names: c.1031G>A, p.Arg344His (NM_001406751.1); c.722G>A, p.Arg241His (NM_139003.3); c.764G>A, p.Arg255His (NM_139004.3); c.998G>A, p.Arg333His (NM_139006.3); c.776G>A, p.Arg259His (NM_139007.3); c.734G>A, p.Arg245His (NM_139008.3); c.971G>A, p.Arg324His (NM_139009.3); c.500G>A, p.Arg167His (NM_139010.3); and 4 more; short protein forms R167H, R241H, R245H, R255H, R259H, R324H, R333H, R344H.
Identifiers: ClinVar variation 3573499 (VCV003573499.1).